The following is an entry in ClinVar:

ClinVar aggregate classification (germline): Conflicting classifications of pathogenicity. Review status: criteria provided, conflicting classifications (1 of 4 stars). 6 submissions from 6 submitters: Uncertain significance (5); Likely benign (1). Last evaluated 2026-05-10.

Conditions:
PKP2-related disorder. Also called: PKP2-related condition.
Cardiomyopathy (CMYO). Also called: Cardiomyopathies. Identifiers: Orphanet 167848, MedGen C0878544, MONDO:0004994, HP:0001638. Inheritance: Various modes of inheritance.
Arrhythmogenic right ventricular cardiomyopathy (ARVD). Also called: Arrhythmogenic right ventricular dysplasia; Cardiomyopathy, ARVC; Arrhythmogenic Right Ventricular Cardiomyopathy (ARVC); Arrhythmogenic cardiomyopathy. Identifiers: Orphanet 247, MedGen C0349788, MeSH D019571, MONDO:0016587. Disease mechanism: loss of function. Inheritance: Various modes of inheritance.
Arrhythmogenic right ventricular dysplasia 9 (ARVD9). Also called: ARRHYTHMOGENIC RIGHT VENTRICULAR DYSPLASIA, FAMILIAL, 9; Arrhythmogenic Right Ventricular Dysplasia/Cardiomyopathy 9. Identifiers: MedGen C1836906, MONDO:0012180, OMIM 609040.
Cardiovascular phenotype. Identifiers: MedGen CN230736.

Allele frequency attached by ClinVar (database versions not stated): ExAC below 0.00001; gnomAD exomes 0.00001; gnomAD 0.00002; TOPMed 0.00003.
gnomAD v4.1: 8 of 661,376 alleles (0.0012%); highest among the groups gnomAD compares: African/African-American, 0.0018%; no homozygotes.

Submissions (6):

PreventionGenetics, part of Exact Sciences
Classification: Uncertain significance for PKP2-related condition. Last evaluated: 2026-05-10. Review status: criteria provided, single submitter. Criteria: ACMG Guidelines, 2015. Collection method: clinical testing. Allele origin: germline.
Comment: The PKP2 c.1475C>T variant is predicted to result in the amino acid substitution p.Thr492Met. This variant has been reported in one individual with Brugada syndrome and has also been observed in a control individual (Supplementary table 2, Le Scouarnec et al. 2015. PubMed ID: 25650408). This variant has not been reported in a large population database, indicating this variant is rare. At this time, the clinical significance of this variant is uncertain due to the absence of conclusive functional and genetic evidence.

Color Diagnostics, LLC DBA Color Health
Classification: Uncertain significance for Cardiomyopathy. Last evaluated: 2025-07-01. Review status: criteria provided, single submitter. Criteria: ACMG Guidelines, 2015. Collection method: clinical testing. Allele origin: germline.
Comment: This missense variant replaces threonine with methionine at codon 492 of the PKP2 protein. Computational prediction suggests that this variant may not impact protein structure and function. To our knowledge, functional studies have not been reported for this variant. This variant has not been identified in the general population by the Genome Aggregation Database (gnomAD). The available evidence is insufficient to determine the role of this variant in disease conclusively. Therefore, this variant is classified as a Variant of Uncertain Significance.

All of Us Research Program, National Institutes of Health
Classification: Uncertain significance for Arrhythmogenic right ventricular cardiomyopathy. Last evaluated: 2023-10-30. Review status: criteria provided, single submitter. Criteria: ACMG Guidelines, 2015. Collection method: clinical testing. Allele origin: germline. Inheritance: Autosomal dominant inheritance. Observed: 5 variant alleles, 5 heterozygotes.
Comment: This missense variant replaces threonine with methionine at codon 492 of the PKP2 protein. Computational prediction suggests that this variant may not impact protein structure and function (internally defined REVEL score threshold <= 0.5, PMID: 27666373). To our knowledge, functional studies have not been reported for this variant. This variant has not been identified in the general population by the Genome Aggregation Database (gnomAD). The available evidence is insufficient to determine the role of this variant in disease conclusively. Therefore, this variant is classified as a Variant of Uncertain Significance.

This study involves interpretation of variants in research participants for the purpose of population health screening. Participant phenotype was not available at the time of variant classification. Additional details can be found in publication PMID: 35346344, PMCID: PMC8962531

Ambry Genetics
Classification: Likely benign for Cardiovascular phenotype. Last evaluated: 2023-08-14. Review status: criteria provided, single submitter. Criteria: Ambry Variant Classification Scheme 2023. Collection method: clinical testing. Allele origin: germline.

Labcorp Genetics (formerly Invitae), Labcorp
Classification: Uncertain significance for Arrhythmogenic right ventricular dysplasia 9. Last evaluated: 2022-07-03. Review status: criteria provided, single submitter. Criteria: Invitae Variant Classification Sherloc (09022015). Collection method: clinical testing. Allele origin: germline.
Comment: This sequence change replaces threonine, which is neutral and polar, with methionine, which is neutral and non-polar, at codon 492 of the PKP2 protein (p.Thr492Met). This variant is not present in population databases (gnomAD no frequency). This missense change has been observed in individual(s) with clinical features of PKP2-related conditions (PMID: 25650408; Invitae). ClinVar contains an entry for this variant (Variation ID: 884170). Algorithms developed to predict the effect of missense changes on protein structure and function output the following: SIFT: "Deleterious"; PolyPhen-2: "Benign"; Align-GVGD: "Class C0". The methionine amino acid residue is found in multiple mammalian species, which suggests that this missense change does not adversely affect protein function. In summary, the available evidence is currently insufficient to determine the role of this variant in disease. Therefore, it has been classified as a Variant of Uncertain Significance.

Illumina Laboratory Services, Illumina
Classification: Uncertain significance for Arrhythmogenic right ventricular dysplasia 9. Last evaluated: 2017-04-27. Review status: criteria provided, single submitter. Criteria: ICSL Variant Classification Criteria 13 December 2019. Collection method: clinical testing. Allele origin: germline.
Comment: This variant was observed as part of a predisposition screen in an ostensibly healthy population. A literature search was performed for the gene, cDNA change, and amino acid change (where applicable). Publications were found based on this search. However, the evidence from the literature, in combination with allele frequency data from public databases where available, was not sufficient to rule this variant in or out of causing disease. Therefore, this variant is classified as a variant of unknown significance.

Literature cited by the submitters: PubMed 25650408 (cited by 5 submitters).

NM_001005242.3(PKP2):c.1379-2012C>T

Gene: PKP2 (plakophilin 2; minus strand). Cytogenetic location: 12p11.21.
Variant type: single nucleotide variant.
Coding change: c.1379-2012C>T on transcript NM_001005242.3 (MANE Select); 2012 bases into the intron before coding-DNA position 1379, C replaced by T.
Molecular consequence: intron variant. On other transcripts: missense variant (1).
Genome position (GRCh38, 1-based): chr12:32,843,217, G>A on the plus strand (C>T on the coding strand, the complement: PKP2 is on the minus strand). VCF-style: chr12-32843217-G-A. GRCh37 (hg19) VCF-style: chr12-32996151-G-A.
Other names: c.1475C>T, p.Thr492Met (NM_004572.4); short protein forms T492M.
Identifiers: ClinVar variation 884170 (VCV000884170.17), dbSNP rs760461056, ClinGen allele CA028560.